The following is an entry in ClinVar:

ClinVar aggregate classification (germline): Uncertain significance (1 of 4 stars; one submission).

Submission:

Labcorp Genetics (formerly Invitae), Labcorp
Classification: Uncertain significance. Last evaluated: 2023-05-08. Review status: criteria provided, single submitter. Criteria: Invitae Variant Classification Sherloc (09022015). Collection method: clinical testing. Allele origin: germline.
Comment: Experimental studies and prediction algorithms are not available or were not evaluated, and the effect of this variant on mRNA splicing is currently unknown. In summary, the available evidence is currently insufficient to determine the role of this variant in disease. Therefore, it has been classified as a Variant of Uncertain Significance. This variant has not been reported in the literature in individuals affected with BICC1-related conditions. Information on the frequency of this variant in the gnomAD database is not available, as this variant may be reported differently in the database. This sequence change affects codon 868 of the BICC1 mRNA. It is a 'silent' change, meaning that it does not change the encoded amino acid sequence of the BICC1 protein.

NM_001080512.3(BICC1):c.2604_2605delinsTC (p.Asn868_Leu869=)

Gene: BICC1 (BicC family RNA binding protein 1; plus strand). Cytogenetic location: 10q21.1.
Variant type: Indel.
Coding change: c.2604_2605delinsTC on transcript NM_001080512.3 (MANE Select); coding-DNA positions 2604 to 2605, CT replaced by TC.
Protein change: p.Asn868_Leu869=.
Molecular consequence: synonymous variant.
Genome position (GRCh38, 1-based): chr10:58,817,632-58,817,633, CT replaced by TC. VCF-style: chr10-58817632-CT-TC. GRCh37 (hg19) VCF-style: chr10-60577392-CT-TC.
Identifiers: ClinVar variation 2967395 (VCV002967395.3), dbSNP rs2492223575, ClinGen allele CA2740092996.